The following is an entry in ClinVar:

ClinVar aggregate classification (germline): Pathogenic (0 of 4 stars; one submission).

Submission:

Quest Diagnostics Nichols Institute San Juan Capistrano
Classification: Pathogenic. Last evaluated: 2021-03-01. Review status: no assertion criteria provided. Collection method: clinical testing. Allele origin: germline.
Comment: The copy number loss of 3p14.2p13 involves several coding genes and is expected to cause phenotypic and/or developmental abnormalities. It includes two genes associated with autosomal dominant disorders: MITF (OMIM 156845) and ATXN7 (OMIM 607640). Interstitial deletions of 3p13p14 overlapping this interval have been reported in individuals with variable phenotypes, including developmental delay/intellectual disability, autism, craniofacial dysmorphism, limb abnormalities, and other less frequent malformations (Hajek et al., Mol Syndromol 2018;9(3):122-133, PMID: 29928177; Schwaibold et al., Am J Med Genet A 2013;161A(10):2634-40, PMID: 23949945). Additionally, haploinsufficiency of MITF is associated with autosomal dominant Waardenburg syndrome type 2A (OMIM 193510), which is characterized by pigmentary abnormalities of the hair, skin and eyes, congenital sensorineural hearing loss, and the absence of dystopia canthorum, the lateral displacement of the ocular inner canthi. Heterozygous variants of MITF are also associated with autosomal dominant Tietz albinism-deafness syndrome (OMIM 103500). Furthermore, a heterozygous trinucleotide repeat expansion of ATXN7 has been associated with autosomal dominant spinocerebellar ataxia-7 (OMIM 164500), an adult-onset neurodegenerative disorder characterized by progressive cerebellar ataxia and pigmental macular dystrophy. There are additional genes in this copy number loss that are associated with autosomal recessive disorders: MITF, LMOD3 (OMIM 616112), EOGT (OMIM 614789), and SLC25A26 (OMIM 611037).

GRCh37/hg19 3p14.2-13(chr3:59332508-70686155)x1

Genes: ADAMTS9 (ADAM metallopeptidase with thrombospondin type 1 motif 9; minus strand), ARL6IP5 (ADP ribosylation factor like GTPase 6 interacting protein 5; plus strand), ATXN7 (ataxin 7; plus strand), C3orf14 (chromosome 3 open reading frame 14; plus strand), CADPS (calcium dependent secretion activator; minus strand) and 21 more. Cytogenetic location: 3p14.2-13.
Variant type: copy number loss.
Change: copy number 1 (one copy instead of two) of chr3:59,332,508-70,686,155 (11.35 Mb, GRCh37 coordinates, 1-based), cytogenetic band 3p14.2-13.
Identifiers: ClinVar variation 1341307 (VCV001341307.1).